The following is an entry in ClinVar:

ClinVar aggregate classification (germline): Uncertain significance (1 of 4 stars; one submission).

Submission:

Labcorp Genetics (formerly Invitae), Labcorp
Classification: Uncertain significance. Last evaluated: 2025-08-07. Review status: criteria provided, single submitter. Criteria: Invitae Variant Classification Sherloc (09022015). Collection method: clinical testing. Allele origin: germline.
Comment: This sequence change replaces serine, which is neutral and polar, with glycine, which is neutral and non-polar, at codon 447 of the DVL1 protein (p.Ser447Gly). This variant is not present in population databases (gnomAD no frequency). This variant has not been reported in the literature in individuals affected with DVL1-related conditions. Invitae Evidence Modeling of protein sequence and biophysical properties (such as structural, functional, and spatial information, amino acid conservation, physicochemical variation, residue mobility, and thermodynamic stability) indicates that this missense variant is not expected to disrupt DVL1 protein function with a negative predictive value of 80%. In summary, the available evidence is currently insufficient to determine the role of this variant in disease. Therefore, it has been classified as a Variant of Uncertain Significance.

NM_001330311.2(DVL1):c.1414A>G (p.Ser472Gly)

Gene: DVL1 (dishevelled segment polarity protein 1; minus strand). Cytogenetic location: 1p36.33.
Variant type: single nucleotide variant.
Coding change: c.1414A>G on transcript NM_001330311.2 (MANE Select); coding-DNA position 1414, A replaced by G.
Protein change: p.Ser472Gly; replaces serine 472 with glycine.
Molecular consequence: missense variant.
Genome position (GRCh38, 1-based): chr1:1,338,362, T>C on the plus strand (A>G on the coding strand, the complement: DVL1 is on the minus strand). VCF-style: chr1-1338362-T-C. GRCh37 (hg19) VCF-style: chr1-1273742-T-C.
Other names: c.1339A>G, p.Ser447Gly (NM_004421.3); short protein forms S447G, S472G.
Identifiers: ClinVar variation 4812078 (VCV004812078.1).
Genomic context (GRCh38, chr1:1,338,362, plus strand): 5'-GCTCGGAGAAGGTGATCTTGTTGACCGTGTGCCGCAGGAAGCCGTGCTTCAGCAAGCTGC[T>C]GGCGTACTTCCGGGCCTCCCGCCGCTCCTTGAAGCCCTCCACGTGTGTGTACAGCCAGTC-3'
Protein context (NP_001317240.1, residues 462-482): KERREARKYA[Ser472Gly]SLLKHGFLRH